The following is an entry in ClinVar:

NM_000404.4(GLB1):c.29C>T (p.Pro10Leu)

Genes: GLB1 (galactosidase beta 1; minus strand), TMPPE (transmembrane protein with metallophosphoesterase domain; minus strand), LOC129936434 (ATAC-STARR-seq lymphoblastoid silent region 14182; plus strand). Cytogenetic location: 3p22.3.
Variant type: single nucleotide variant.
Coding change: c.29C>T on transcript NM_000404.4 (MANE Select); coding-DNA position 29, C replaced by T.
Protein change: p.Pro10Leu; replaces proline 10 with leucine.
Molecular consequence: missense variant. On other transcripts: 5 prime UTR variant (2).
Genome position (GRCh38, 1-based): chr3:33,097,057, G>A on the plus strand (C>T on the coding strand, the complement: GLB1 is on the minus strand). VCF-style: chr3-33097057-G-A. GRCh37 (hg19) VCF-style: chr3-33138549-G-A.
Other names: c.29C>T, p.Pro10Leu (NM_001135602.3, NM_001317040.2, NM_001393580.1); c.-447C>T (NM_001039770.3); c.-343C>T (NM_001136238.2); short protein forms P10L.
Identifiers: ClinVar variation 92904 (VCV000092904.35), dbSNP rs7637099, ClinGen allele CA146077.

ClinVar aggregate classification (germline): Benign. Review status: criteria provided, multiple submitters, no conflicts (2 of 4 stars). 20 submissions from 15 submitters: Benign (15). 5 of the submissions do not count toward it. Last evaluated 2026-02-04.

Conditions:
GM1 gangliosidosis. Identifiers: Orphanet 354, MedGen C0085131, MONDO:0018149.
Mucopolysaccharidosis, MPS-IV-B (MPS4B). Also called: Mucopolysaccharidosis type 4B; Mucopolysaccharidosis type IV B; Mucopolysaccharidosis type IVB (Morquio); Mucopolysaccharidosis Type IVB (Morquio B Disease); MPS IVB; MORQUIO SYNDROME B. Identifiers: Orphanet 309310, Orphanet 582, MedGen C0086652, MONDO:0009660, OMIM 253010.
Infantile GM1 gangliosidosis. Also called: Gangliosidosis, Generalized GM1, Type 1; GM1 gangliosidosis type 1; GM1-gangliosidosis, type I; Gangliosidosis, generalized GM1, infantile form; GLB1 deficiency. Identifiers: Orphanet 354, Orphanet 79255, MedGen C0268271, MONDO:0009260, OMIM 230500.
GM1 gangliosidosis type 2. Also called: GANGLIOSIDOSIS, GENERALIZED GM1, JUVENILE TYPE; GANGLIOSIDOSIS, GENERALIZED GM1, TYPE II; Gangliosidosis, Generalized GM1, Type 2; GM1-GANGLIOSIDOSIS, TYPE II; Juvenile GM>1< gangliosidosis. Identifiers: Orphanet 354, Orphanet 79256, MedGen C0268272, MONDO:0009261, OMIM 230600.
GM1 gangliosidosis type 3. Also called: GANGLIOSIDOSIS, GENERALIZED GM1, ADULT TYPE; GANGLIOSIDOSIS, GENERALIZED GM1, CHRONIC TYPE; Gangliosidosis, Generalized GM1, Type 3; GM1-GANGLIOSIDOSIS, TYPE III; Beta-galactosidase deficiency; Adult GM1 gangliosidosis. Identifiers: Orphanet 79257, MedGen C0268273, MONDO:0009262, OMIM 230650.

Allele frequency attached by ClinVar (database versions not stated): 1000 Genomes Project 30x 0.42255; 1000 Genomes Project 0.43191; TOPMed 0.46186; ESP Exome Variant Server 0.47396; gnomAD 0.48281.
gnomAD v4.1: 945,940 of 1,612,026 alleles (59%); highest among the groups gnomAD compares: Middle Eastern, 63%; 286,322 homozygotes.

Submissions (20):

Labcorp Genetics (formerly Invitae), Labcorp
Classification: Benign for Mucopolysaccharidosis, MPS-IV-B; GM1 gangliosidosis. Last evaluated: 2026-02-04. Review status: criteria provided, single submitter. Criteria: Invitae Variant Classification Sherloc (09022015). Collection method: clinical testing. Allele origin: germline.

Blueprint Genetics
Classification: Benign. Last evaluated: 2024-11-26. Review status: criteria provided, single submitter. Criteria: ACMG Guidelines, 2015. Collection method: clinical testing. Allele origin: germline.

Genome-Nilou Lab
Classification: Benign for Infantile GM1 gangliosidosis. Last evaluated: 2021-08-10. Review status: criteria provided, single submitter. Criteria: ACMG Guidelines, 2015. Collection method: clinical testing. Allele origin: germline. Affected: no.

Genome-Nilou Lab
Classification: Benign for GM1 gangliosidosis type 2. Last evaluated: 2021-08-10. Review status: criteria provided, single submitter. Criteria: ACMG Guidelines, 2015. Collection method: clinical testing. Allele origin: germline. Affected: no.

Genome-Nilou Lab
Classification: Benign for GM1 gangliosidosis type 3. Last evaluated: 2021-08-10. Review status: criteria provided, single submitter. Criteria: ACMG Guidelines, 2015. Collection method: clinical testing. Allele origin: germline. Affected: no.

Genome-Nilou Lab
Classification: Benign for Mucopolysaccharidosis, MPS-IV-B. Last evaluated: 2021-08-10. Review status: criteria provided, single submitter. Criteria: ACMG Guidelines, 2015. Collection method: clinical testing. Allele origin: germline. Affected: no.

Pars Genome Lab
Classification: Benign for Infantile GM1 gangliosidosis. Last evaluated: 2021-06-15. Review status: criteria provided, single submitter. Criteria: ACMG Guidelines, 2015. Collection method: clinical testing. Allele origin: germline. Affected: no.

Pars Genome Lab
Classification: Benign for Mucopolysaccharidosis, MPS-IV-B. Last evaluated: 2021-06-15. Review status: criteria provided, single submitter. Criteria: ACMG Guidelines, 2015. Collection method: clinical testing. Allele origin: germline. Affected: no.

Eurofins Ntd Llc (ga)
Classification: Benign. Last evaluated: 2017-08-31. Review status: criteria provided, single submitter. Criteria: EGL Classification Definitions 2015. Collection method: clinical testing. Allele origin: germline. Observed: 107 variant alleles, 57 heterozygotes, 50 homozygotes.

Illumina Laboratory Services, Illumina
Classification: Benign for GM1 gangliosidosis. Last evaluated: 2017-04-27. Review status: criteria provided, single submitter. Criteria: ICSL Variant Classification Criteria 13 December 2019. Collection method: clinical testing. Allele origin: germline.
Comment: This variant was observed as part of a predisposition screen in an ostensibly healthy population. A literature search was performed for the gene, cDNA change, and amino acid change (where applicable). No publications were found based on this search. Allele frequency data from public databases was too high to be consistent with this variant causing disease. Therefore, this variant is classified as benign.

Illumina Laboratory Services, Illumina
Classification: Benign for Mucopolysaccharidosis, MPS-IV-B. Last evaluated: 2017-04-27. Review status: criteria provided, single submitter. Criteria: ICSL Variant Classification Criteria 13 December 2019. Collection method: clinical testing. Allele origin: germline.
Comment: the same text as in the submission from Illumina Laboratory Services, Illumina above.

Women's Health and Genetics/Laboratory Corporation of America, LabCorp
Classification: Benign. Last evaluated: 2016-05-25. Review status: criteria provided, single submitter. Criteria: LabCorp Variant Classification Summary - May 2015. Collection method: clinical testing. Allele origin: germline.
Comment: Variant summary: The c.29C>T (p.Pro10Leu) is a missense variant involves a non-conserved nucleotide and 4/5 in silico tools predict benign outcome. The variant is present in the control population dataset of ExAC at a frequency of 0.562 (66755/118674) which greatly exceeds the maximal expected allele frequency for a non-common pathogenic GLB1 variant (0.0009). Diagnostics centers and several published reports classified this variant as Likely Benign and Benign. Taken all together, the variant was classified as Benign.

GeneDx
Classification: Benign. Last evaluated: 2015-03-03. Review status: criteria provided, single submitter. Criteria: GeneDx Variant Classification Process June 2021. Collection method: clinical testing. Allele origin: germline. Affected: yes.
Comment: This variant is associated with the following publications: (PMID: 23806086, 10338095, 20981092, 20220177, 21228398, 15791924)

Breakthrough Genomics
Classification: Benign. Review status: criteria provided, single submitter. Criteria: ACMG Guidelines, 2015. Collection method: not provided. Allele origin: germline. Inheritance: Autosomal recessive inheritance. Affected: yes.

PreventionGenetics, part of Exact Sciences
Classification: Benign. Review status: criteria provided, single submitter. Criteria: ACMG Guidelines, 2015. Collection method: clinical testing. Allele origin: germline.

Mayo Clinic Laboratories, Mayo Clinic
Classification: Benign. Last evaluated: 2015-10-20. Review status: no assertion criteria provided. Collection method: clinical testing. Allele origin: unknown. Not counted in ClinVar's aggregate classification.

Clinical Genetics DNA and cytogenetics Diagnostics Lab, Erasmus MC, Erasmus Medical Center
Classification: Benign. Review status: no assertion criteria provided. Collection method: clinical testing. Allele origin: germline. Affected: yes. Study: VKGL Data-share Consensus. Not counted in ClinVar's aggregate classification.

Diagnostic Laboratory, Department of Genetics, University Medical Center Groningen
Classification: Benign. Review status: no assertion criteria provided. Collection method: clinical testing. Allele origin: germline. Affected: yes. Study: VKGL Data-share Consensus. Not counted in ClinVar's aggregate classification.

Genetic Services Laboratory, University of Chicago
Classification: Likely benign for AllHighlyPenetrant. Review status: no assertion criteria provided. Collection method: clinical testing. Allele origin: germline. Inheritance: Autosomal recessive inheritance. Not counted in ClinVar's aggregate classification.
Comment: Likely benign based on allele frequency in 1000 Genomes Project or ESP global frequency and its presence in a patient with a rare or unrelated disease phenotype. NOT Sanger confirmed.

Joint Genome Diagnostic Labs from Nijmegen and Maastricht, Radboudumc and MUMC+
Classification: Benign. Review status: no assertion criteria provided. Collection method: clinical testing. Allele origin: germline. Affected: yes. Study: VKGL Data-share Consensus. Not counted in ClinVar's aggregate classification.

Literature cited by the submitters: PubMed 16941474 (cited by Women's Health and Genetics/Laboratory Corporation of America, LabCorp).